The following is an entry in ClinVar:

NM_007294.4(BRCA1):c.2016dup (p.Glu673fs)

Gene: BRCA1 (BRCA1 DNA repair associated; minus strand). Cytogenetic location: 17q21.31.
Variant type: Duplication.
Coding change: c.2016dup on transcript NM_007294.4 (MANE Select); coding-DNA position 2016, one base duplicated (A; older notation c.2016dupA).
Protein change: p.Glu673fs; shifts the reading frame from glutamic acid 673.
Molecular consequence: frameshift variant. On other transcripts: intron variant (137).
Genome position (GRCh38, 1-based): chr17:43,093,515, T duplicated on the plus strand (A on the coding strand, the reverse complement: BRCA1 is on the minus strand); the first of 3 consecutive T bases (chr17:43,093,515-43,093,517); duplicating any one gives the same sequence. VCF-style (leftmost placement, unchanged base first): chr17-43093514-C-CT. GRCh37 (hg19) VCF-style: chr17-41245531-C-CT.
Other names: c.1890dup, p.Glu631fs (NM_001407673.1, NM_001407685.1, NM_001407686.1 and 11 more transcripts); c.1893dup, p.Glu632fs (NM_001407674.1, NM_001407675.1, NM_001407676.1 and 19 more transcripts); c.2016dup, p.Glu673fs (NM_001407684.1, NM_001407854.1, NM_001407858.1 and 30 more transcripts); c.1872dup, p.Glu625fs (NM_001407742.1, NM_001407743.1, NM_001407744.1 and 20 more transcripts); c.1803dup, p.Glu602fs (NM_001407894.1, NM_001407895.1, NM_001407896.1 and 9 more transcripts); c.1875dup, p.Glu626fs (NM_001407944.1, NM_001407945.1, NM_001407692.1 and 29 more transcripts); c.1683dup, p.Glu562fs (NM_001407946.1, NM_001407947.1, NM_001407948.1 and 6 more transcripts); c.1806dup, p.Glu603fs (NM_001407900.1, NM_001407902.1, NM_001407904.1 and 13 more transcripts); and 42 more; short protein forms E673fs, E626fs, E584fs, E585fs, E631fs, E647fs, E546fs, E606fs.
Identifiers: ClinVar variation 1456613 (VCV001456613.12), dbSNP rs2154403814, ClinGen allele CA2573154065.

ClinVar aggregate classification (germline): Pathogenic/Likely pathogenic. Review status: criteria provided, multiple submitters, no conflicts (2 of 4 stars). 4 submissions from 4 submitters: Pathogenic (3); Likely pathogenic (1). Last evaluated 2025-05-20.

Conditions:
Breast-ovarian cancer, familial, susceptibility to, 1 (BROVCA1). Also called: OVARIAN CANCER, SUSCEPTIBILITY TO; BRCA1 Hereditary Breast and Ovarian Cancer. Identifiers: Orphanet 145, MedGen C2676676, MONDO:0011450, OMIM 604370. Disease mechanism: loss of function.
Hereditary breast ovarian cancer syndrome. Also called: Breast and ovarian cancer; Hereditary breast and/or ovarian cancer syndrome; Hereditary breast and ovarian cancer syndrome; BRCA1- and BRCA2-Associated Hereditary Breast and Ovarian Cancer; Hereditary breast and ovarian cancer; Hereditary breast and ovarian cancer syndrome (HBOC). Identifiers: Orphanet 145, MedGen C0677776, MeSH D061325, MONDO:0003582. Disease mechanism: loss of function.
Hereditary cancer-predisposing syndrome. Also called: Neoplastic Syndromes, Hereditary; Tumor predisposition; Hereditary Cancer Syndrome; Hereditary neoplastic syndrome. Identifiers: Orphanet 140162, MedGen C0027672, MeSH D009386, MONDO:0015356.

Submissions (4):

Ambry Genetics
Classification: Pathogenic for Hereditary cancer-predisposing syndrome. Last evaluated: 2025-05-20. Review status: criteria provided, single submitter. Criteria: Ambry Variant Classification Scheme 2023. Collection method: clinical testing. Allele origin: germline.
Comment: The c.2016dupA pathogenic mutation, located in coding exon 9 of the BRCA1 gene, results from a duplication of A at nucleotide position 2016, causing a translational frameshift with a predicted alternate stop codon (p.E673Rfs*10). This variant is considered to be rare based on population cohorts in the Genome Aggregation Database (gnomAD). This alteration is expected to result in loss of function by premature protein truncation or nonsense-mediated mRNA decay. As such, this alteration is interpreted as a disease-causing mutation.

Quest Diagnostics Nichols Institute San Juan Capistrano
Classification: Likely pathogenic. Last evaluated: 2024-05-03. Review status: criteria provided, single submitter. Criteria: Quest Diagnostics criteria. Collection method: clinical testing. Allele origin: unknown.
Comment: The BRCA1 c.2016dup (p.Glu673Argfs*10) variant alters the translational reading frame of the BRCA1 mRNA and is predicted to cause the premature termination of BRCA1 protein synthesis. This variant has not been reported in individuals with BRCA1-related conditions in the published literature. This variant has not been reported in large, multi-ethnic general populations (Genome Aggregation Database). Based on the available information, this variant is classified as likely pathogenic.

Baylor Genetics
Classification: Pathogenic for Breast-ovarian cancer, familial, susceptibility to, 1. Last evaluated: 2024-03-22. Review status: criteria provided, single submitter. Criteria: ACMG Guidelines, 2015. Collection method: clinical testing. Allele origin: unknown.

Labcorp Genetics (formerly Invitae), Labcorp
Classification: Pathogenic for Hereditary breast ovarian cancer syndrome. Last evaluated: 2021-09-18. Review status: criteria provided, single submitter. Criteria: Invitae Variant Classification Sherloc (09022015). Collection method: clinical testing. Allele origin: germline.
Comment: This sequence change creates a premature translational stop signal (p.Glu673Argfs*10) in the BRCA1 gene. It is expected to result in an absent or disrupted protein product. Loss-of-function variants in BRCA1 are known to be pathogenic (PMID: 20104584). This variant is not present in population databases (ExAC no frequency). This variant has not been reported in the literature in individuals affected with BRCA1-related conditions. For these reasons, this variant has been classified as Pathogenic.

Literature cited by the submitters: PubMed 20104584 (cited by Labcorp Genetics (formerly Invitae), Labcorp).